The following is an entry in ClinVar:

ClinVar aggregate classification (germline): Pathogenic (0 of 4 stars; one submission).

Submission:

Quest Diagnostics Nichols Institute San Juan Capistrano
Classification: Pathogenic. Last evaluated: 2021-02-01. Review status: no assertion criteria provided. Collection method: clinical testing. Allele origin: germline.
Comment: This imbalance is expected to cause phenotypic and/or developmental abnormalities. This genomic alteration involves the STS gene (OMIM 300747) and is expected to cause X-linked ichthyosis (OMIM #308100). X-linked ichthyosis (steroid sulfatase deficiency) is caused by mutation or deletion of the STS gene on chromosome Xp22.31. Features include ichthyosis characterized by polygonal, dark, adherent and mild-to-moderate scales that normally improve during summer; corneal opacities on slit-lamp examination; and cryptorchidism. Pregnant mothers carrying an affected male fetus may have a protracted delivery.

GRCh37/hg19 Xp22.31(chrX:6722953-7570280)x0

Genes: PUDP (pseudouridine 5'-phosphatase; minus strand), STS (steroid sulfatase; plus strand). Cytogenetic location: Xp22.31.
Variant type: copy number loss.
Change: copy number 0 of chrX:6,722,953-7,570,280 (847.3 kb, GRCh37 coordinates, 1-based), cytogenetic band Xp22.31.
Identifiers: ClinVar variation 1341122 (VCV001341122.1).